The following is an entry in ClinVar:

NM_001942.4(DSG1):c.731G>A (p.Gly244Asp)

Gene: DSG1 (desmoglein 1; plus strand). Cytogenetic location: 18q12.1.
Variant type: single nucleotide variant.
Coding change: c.731G>A on transcript NM_001942.4 (MANE Select); coding-DNA position 731, G replaced by A.
Protein change: p.Gly244Asp; replaces glycine 244 with aspartic acid.
Molecular consequence: missense variant.
Genome position (GRCh38, 1-based): chr18:31,333,635, G>A. VCF-style: chr18-31333635-G-A. GRCh37 (hg19) VCF-style: chr18-28913598-G-A.
Other names: short protein forms G244D.
Identifiers: ClinVar variation 1717440 (VCV001717440.5), dbSNP rs748694136, ClinGen allele CA8925929.

ClinVar aggregate classification (germline): Uncertain significance (1 of 4 stars; one submission).

Allele frequency attached by ClinVar (database versions not stated): gnomAD exomes 0.00001; ExAC 0.00001.
gnomAD v4.1: 17 of 1,613,918 alleles (0.0011%); highest among the groups gnomAD compares: Non-Finnish European, 0.0014%; no homozygotes.

Submission:

Labcorp Genetics (formerly Invitae), Labcorp
Classification: Uncertain significance. Last evaluated: 2025-10-02. Review status: criteria provided, single submitter. Criteria: Invitae Variant Classification Sherloc (09022015). Collection method: clinical testing. Allele origin: germline.
Comment: This sequence change replaces glycine, which is neutral and non-polar, with aspartic acid, which is acidic and polar, at codon 244 of the DSG1 protein (p.Gly244Asp). This variant is present in population databases (rs748694136, gnomAD 0.0009%). This variant has not been reported in the literature in individuals affected with DSG1-related conditions. ClinVar contains an entry for this variant (Variation ID: 1717440). Invitae Evidence Modeling of protein sequence and biophysical properties (such as structural, functional, and spatial information, amino acid conservation, physicochemical variation, residue mobility, and thermodynamic stability) has been performed for this missense variant. However, the output from this modeling did not meet the statistical confidence thresholds required to predict the impact of this variant on DSG1 protein function. In summary, the available evidence is currently insufficient to determine the role of this variant in disease. Therefore, it has been classified as a Variant of Uncertain Significance.